The following is an entry in ClinVar:

ClinVar aggregate classification (germline): Pathogenic (1 of 4 stars; one submission).

Conditions:
MHC class I deficiency. Identifiers: Orphanet 34592, MedGen C6024714, MONDO:0011476.

Submission:

Labcorp Genetics (formerly Invitae), Labcorp
Classification: Pathogenic for MHC class I deficiency 1. Last evaluated: 2024-12-09. Review status: criteria provided, single submitter. Criteria: Invitae Variant Classification Sherloc (09022015). Collection method: clinical testing. Allele origin: germline.
Comment: This sequence change creates a premature translational stop signal (p.Gln536*) in the TAP2 gene. It is expected to result in an absent or disrupted protein product. Loss-of-function variants in TAP2 are known to be pathogenic (PMID: 7517574, 11529920, 12067308, 23662797). This variant is not present in population databases (gnomAD no frequency). This variant has not been reported in the literature in individuals affected with TAP2-related conditions. ClinVar contains an entry for this variant (Variation ID: 1996596). For these reasons, this variant has been classified as Pathogenic.

Literature cited by the submitters: PubMed 7517574; PubMed 11529920; PubMed 12067308; PubMed 23662797.

NM_001290043.2(TAP2):c.1606C>T (p.Gln536Ter)

Gene: TAP2 (transporter 2, ATP binding cassette subfamily B member; minus strand). Cytogenetic location: 6p21.32.
Variant type: single nucleotide variant.
Coding change: c.1606C>T on transcript NM_001290043.2 (MANE Select); coding-DNA position 1606, C replaced by T.
Protein change: p.Gln536Ter; replaces glutamine 536 with a stop codon.
Molecular consequence: nonsense.
Genome position (GRCh38, 1-based): chr6:32,830,296, G>A on the plus strand (C>T on the coding strand, the complement: TAP2 is on the minus strand). VCF-style: chr6-32830296-G-A. GRCh37 (hg19) VCF-style: chr6-32798073-G-A.
Other names: c.1606C>T, p.Gln536Ter (NM_000544.3, NM_018833.3); short protein forms Q536*.
Identifiers: ClinVar variation 1996596 (VCV001996596.4), dbSNP rs2483018539, ClinGen allele CA363579916.